The following is an entry in ClinVar:

ClinVar aggregate classification (germline): Uncertain significance (1 of 4 stars; one submission).

Conditions:
SCLT1-related disorder. Also called: SCLT1-related condition.

gnomAD v4.1: 16 of 1,613,478 alleles (0.00099%); highest among the groups gnomAD compares: Non-Finnish European, 0.0013%; no homozygotes.

Submission:

PreventionGenetics, part of Exact Sciences
Classification: Uncertain significance for SCLT1-related condition. Last evaluated: 2024-10-14. Review status: criteria provided, single submitter. Criteria: ACMG Guidelines, 2015. Collection method: clinical testing. Allele origin: germline.
Comment: The SCLT1 c.4G>T variant is predicted to result in the amino acid substitution p.Ala2Ser. To our knowledge, this variant has not been reported in the literature or in a large population database (gnomAD), indicating this variant is rare. At this time, the clinical significance of this variant is uncertain due to the absence of conclusive functional and genetic evidence.

NM_144643.4(SCLT1):c.4G>T (p.Ala2Ser)

Gene: SCLT1 (sodium channel and clathrin linker 1; minus strand). Cytogenetic location: 4q28.2.
Variant type: single nucleotide variant.
Coding change: c.4G>T on transcript NM_144643.4 (MANE Select); coding-DNA position 4, G replaced by T.
Protein change: p.Ala2Ser; replaces alanine 2 with serine.
Molecular consequence: missense variant.
Genome position (GRCh38, 1-based): chr4:129,093,100, C>A on the plus strand (G>T on the coding strand, the complement: SCLT1 is on the minus strand). VCF-style: chr4-129093100-C-A. GRCh37 (hg19) VCF-style: chr4-130014255-C-A.
Other names: c.4G>T, p.Ala2Ser (NM_001300897.2, NM_001300898.2, NM_001410807.1); short protein forms A2S.
Identifiers: ClinVar variation 4984951 (VCV004984951.1).